The following is an entry in ClinVar:

ClinVar aggregate classification (germline): Uncertain significance. Review status: criteria provided, multiple submitters, no conflicts (2 of 4 stars). 3 submissions from 3 submitters: Uncertain significance (3). Last evaluated 2025-12-19.

Conditions:
B-cell immunodeficiency, distal limb anomalies, and urogenital malformations. Also called: HOFFMAN SYNDROME; BILU SYNDROME. Identifiers: Orphanet 567502, MedGen C1836437, MONDO:0012243, OMIM 609296.

Allele frequency attached by ClinVar (database versions not stated): gnomAD exomes below 0.00001; gnomAD 0.00001.
gnomAD v4.1: 5 of 1,594,616 alleles (0.00031%); highest among the groups gnomAD compares: Admixed American, 0.007%; no homozygotes.

Submissions (3):

Labcorp Genetics (formerly Invitae), Labcorp
Classification: Uncertain significance. Last evaluated: 2025-12-19. Review status: criteria provided, single submitter. Criteria: Invitae Variant Classification Sherloc (09022015). Collection method: clinical testing. Allele origin: germline.
Comment: This sequence change replaces threonine, which is neutral and polar, with isoleucine, which is neutral and non-polar, at codon 1312 of the TOP2B protein (p.Thr1312Ile). This variant is present in population databases (no rsID available, gnomAD 0.007%). This variant has not been reported in the literature in individuals affected with TOP2B-related conditions. ClinVar contains an entry for this variant (Variation ID: 1917836). An algorithm developed to predict the effect of missense changes on protein structure and function (PolyPhen-2) suggests that this variant is likely to be tolerated. In summary, the available evidence is currently insufficient to determine the role of this variant in disease. Therefore, it has been classified as a Variant of Uncertain Significance.

Ambry Genetics
Classification: Uncertain significance. Last evaluated: 2025-11-20. Review status: criteria provided, single submitter. Criteria: Ambry Variant Classification Scheme 2023. Collection method: clinical testing. Allele origin: germline.

Revvity Omics, Revvity
Classification: Uncertain significance for B-cell immunodeficiency, distal limb anomalies, and urogenital malformations. Last evaluated: 2021-07-09. Review status: criteria provided, single submitter. Criteria: ACMG Guidelines, 2015. Collection method: clinical testing. Allele origin: germline.

NM_001330700.2(TOP2B):c.3950C>T (p.Thr1317Ile)

Gene: TOP2B (DNA topoisomerase II beta; minus strand). Cytogenetic location: 3p24.2.
Variant type: single nucleotide variant.
Coding change: c.3950C>T on transcript NM_001330700.2 (MANE Select); coding-DNA position 3950, C replaced by T.
Protein change: p.Thr1317Ile; replaces threonine 1317 with isoleucine.
Molecular consequence: missense variant.
Genome position (GRCh38, 1-based): chr3:25,609,326, G>A on the plus strand (C>T on the coding strand, the complement: TOP2B is on the minus strand). VCF-style: chr3-25609326-G-A. GRCh37 (hg19) VCF-style: chr3-25650817-G-A.
Other names: c.3935C>T (NM_001068.2); c.3935C>T, p.Thr1312Ile (NM_001068.3); short protein forms T1317I, T1312I.
Identifiers: ClinVar variation 1917836 (VCV001917836.9), dbSNP rs1329710272, ClinGen allele CA351893911.